The following is an entry in ClinVar:

NM_002778.4(PSAP):c.379C>T (p.Arg127Cys)

Gene: PSAP (prosaposin; minus strand). Cytogenetic location: 10q22.1.
Variant type: single nucleotide variant.
Coding change: c.379C>T on transcript NM_002778.4 (MANE Select); coding-DNA position 379, C replaced by T.
Protein change: p.Arg127Cys; replaces arginine 127 with cysteine.
Molecular consequence: missense variant.
Genome position (GRCh38, 1-based): chr10:71,829,074, G>A on the plus strand (C>T on the coding strand, the complement: PSAP is on the minus strand). VCF-style: chr10-71829074-G-A. GRCh37 (hg19) VCF-style: chr10-73588831-G-A.
Other names: p.Arg127Cys; c.379C>T (NM_002778.2); c.379C>T, p.Arg127Cys (NM_001042465.3, NM_001042466.3); short protein forms R127C.
Identifiers: ClinVar variation 989886 (VCV000989886.8), dbSNP rs148519599, ClinGen allele CA5547782.
Genomic context (GRCh38, chr10:71,829,074, plus strand): 5'-CTGCTAGGTGCTTCTGGAGAGACTCGCAGAGGTTGAGAGCAGAGCACACCTCCCCAGGAC[G>A]GCTCTGGTGGGATGGAAAGAAGTCCTGCTGAAAATCCTCTCCCCAGGGGAAAATAAGACA-3'
Protein context (NP_002769.1, residues 117-137): ILDIIKGEMS[Arg127Cys]PGEVCSALNL

ClinVar aggregate classification (germline): Uncertain significance. Review status: criteria provided, multiple submitters, no conflicts (2 of 4 stars). 6 submissions from 6 submitters: Uncertain significance (5). 1 of the submissions does not count toward it. Last evaluated 2025-01-01.

Conditions:
Combined PSAP deficiency (PSAPD). Also called: COMBINED SAP DEFICIENCY; Encephalopathy due to prosaposin deficiency; PROSAPOSIN DEFICIENCY. Identifiers: Orphanet 139406, MedGen C2673635, MONDO:0012719, OMIM 611721.
Gaucher disease due to saposin C deficiency. Also called: Atypical Gaucher disease due to saposin C deficiency; Saposin C Deficiency. Identifiers: Orphanet 309252, Orphanet 355, MedGen C1864651, MONDO:0012517, OMIM 610539.
Parkinson disease 24, autosomal dominant, susceptibility to. Identifiers: MedGen C5561969, MONDO:0859183, OMIM 619491.
Sphingolipid activator protein 1 deficiency. Also called: METACHROMATIC LEUKODYSTROPHY DUE TO CEREBROSIDE SULFATASE ACTIVATOR DEFICIENCY; Metachromatic leukodystrophy due to saposin B deficiency; Saposin B Deficiency. Identifiers: Orphanet 512, MedGen C0268262, MONDO:0009590, OMIM 249900.
Krabbe disease due to saposin A deficiency. Also called: KRABBE DISEASE, ATYPICAL, DUE TO SAPOSIN A DEFICIENCY; Saposin A Deficiency. Identifiers: Orphanet 487, MedGen C2673266, MONDO:0012720, OMIM 611722.
Inborn genetic diseases. Identifiers: MedGen C0950123, MeSH D030342.
Metachromatic leukodystrophy (MLD). Also called: METACHROMATIC LEUKOENCEPHALOPATHY; CEREBROSIDE SULFATASE DEFICIENCY; Cerebral sclerosis diffuse metachromatic form; Arylsulfatase A Deficiency; ARSA DEFICIENCY; SULFATIDE LIPIDOSIS. Identifiers: Orphanet 512, MedGen C0023522, MONDO:0018868, OMIM 250100.

Allele frequency attached by ClinVar (database versions not stated): ExAC 0.00004; gnomAD exomes 0.00004 and 0.00011; TOPMed 0.00006; gnomAD 0.00007; ESP Exome Variant Server 0.00008.

Submissions (6):

Mayo Clinic Laboratories, Mayo Clinic
Classification: Uncertain significance. Last evaluated: 2025-01-01. Review status: criteria provided, single submitter. Criteria: ACMG Guidelines, 2015. Collection method: clinical testing. Allele origin: germline. Observed: 1 variant allele.
Comment: PM2_supporting

Labcorp Genetics (formerly Invitae), Labcorp
Classification: Uncertain significance for Sphingolipid activator protein 1 deficiency. Last evaluated: 2024-10-23. Review status: criteria provided, single submitter. Criteria: Invitae Variant Classification Sherloc (09022015). Collection method: clinical testing. Allele origin: germline.
Comment: This sequence change replaces arginine, which is basic and polar, with cysteine, which is neutral and slightly polar, at codon 127 of the PSAP protein (p.Arg127Cys). This variant is present in population databases (rs148519599, gnomAD 0.01%). This variant has not been reported in the literature in individuals affected with PSAP-related conditions. ClinVar contains an entry for this variant (Variation ID: 989886). Invitae Evidence Modeling of protein sequence and biophysical properties (such as structural, functional, and spatial information, amino acid conservation, physicochemical variation, residue mobility, and thermodynamic stability) indicates that this missense variant is not expected to disrupt PSAP protein function with a negative predictive value of 95%. In summary, the available evidence is currently insufficient to determine the role of this variant in disease. Therefore, it has been classified as a Variant of Uncertain Significance.

Fulgent Genetics
Classification: Uncertain significance for Sphingolipid activator protein 1 deficiency; Gaucher disease due to saposin C deficiency; Combined PSAP deficiency; Krabbe disease due to saposin A deficiency; Parkinson disease 24, autosomal dominant, susceptibility to. Last evaluated: 2021-09-24. Review status: criteria provided, single submitter. Criteria: ACMG Guidelines, 2015. Collection method: clinical testing. Allele origin: unknown.

Ambry Genetics
Classification: Uncertain significance for Inborn genetic diseases. Last evaluated: 2021-02-11. Review status: criteria provided, single submitter. Criteria: Ambry Variant Classification Scheme 2023. Collection method: clinical testing. Allele origin: germline.
Comment: The c.379C>T (p.R127C) alteration is located in exon 5 (coding exon 5) of the PSAP gene. This alteration results from a C to T substitution at nucleotide position 379, causing the arginine (R) at amino acid position 127 to be replaced by a cysteine (C). Based on data from the Genome Aggregation Database (gnomAD) database, the PSAP c.379C>T alteration was observed in <0.01% (13/282032) of total alleles studied, with a frequency of 0.01% (3/24866) in the African subpopulation. This amino acid position is poorly conserved in available vertebrate species. The p.R127C alteration is predicted to be tolerated by in silico analysis. Based on insufficient or conflicting evidence, the clinical significance of this alteration remains unclear.

Blueprint Genetics
Classification: Uncertain significance. Last evaluated: 2021-02-05. Review status: criteria provided, single submitter. Criteria: ACMG Guidelines, 2015. Collection method: clinical testing. Allele origin: germline.

Natera, Inc.
Classification: Uncertain significance for Metachromatic leukodystrophy. Last evaluated: 2020-04-11. Review status: no assertion criteria provided. Collection method: clinical testing. Allele origin: germline. Not counted in ClinVar's aggregate classification.